The following is an entry in ClinVar:

ClinVar aggregate classification (germline): Uncertain significance. Review status: criteria provided, multiple submitters, no conflicts (2 of 4 stars). 3 submissions from 3 submitters: Uncertain significance (2). 1 of the submissions does not count toward it. Last evaluated 2024-05-14.

Allele frequency attached by ClinVar (database versions not stated): ExAC 0.00001; gnomAD exomes 0.00001 and 0.00002; TOPMed 0.00002; ESP Exome Variant Server 0.00008.
gnomAD v4.1: 32 of 1,614,166 alleles (0.002%); highest among the groups gnomAD compares: Non-Finnish European, 0.0025%; no homozygotes.

Submissions (3):

Women's Health and Genetics/Laboratory Corporation of America, LabCorp
Classification: Uncertain significance. Last evaluated: 2024-05-14. Review status: criteria provided, single submitter. Criteria: LabCorp Variant Classification Summary - May 2015. Collection method: clinical testing. Allele origin: germline.
Comment: Variant summary: ABCA4 c.4732G>A (p.Gly1578Arg) results in a non-conservative amino acid change in the encoded protein sequence. Four of five in-silico tools predict a benign effect of the variant on protein function. The variant allele was found at a frequency of 8e-06 in 251470 control chromosomes. The available data on variant occurrences in the general population are insufficient to allow any conclusion about variant significance. c.4732G>A has been reported in the literature in individuals affected with age-related macular degeneration without reported second variant (e.g. Allikmets_1997, Fuse_2000). These reports do not provide unequivocal conclusions about association of the variant with Retinitis Pigmentosa. One publication reports experimental evidence evaluating an impact on protein function, showing significantly reduced ATP-binding ability in vitro (e.g. Shroyer_2001) , however, does not allow convincing conclusions about the variant effect. The following publications have been ascertained in the context of this evaluation (PMID: 9295268, 10913642, 11726554). ClinVar contains an entry for this variant (Variation ID: 99314). Based on the evidence outlined above, the variant was classified as uncertain significance.

Labcorp Genetics (formerly Invitae), Labcorp
Classification: Uncertain significance. Last evaluated: 2022-10-28. Review status: criteria provided, single submitter. Criteria: Invitae Variant Classification Sherloc (09022015). Collection method: clinical testing. Allele origin: germline.
Comment: This sequence change replaces glycine, which is neutral and non-polar, with arginine, which is basic and polar, at codon 1578 of the ABCA4 protein (p.Gly1578Arg). This variant is present in population databases (rs1800551, gnomAD 0.003%). This missense change has been observed in individual(s) with age-related macular degeneration (PMID: 9295368). ClinVar contains an entry for this variant (Variation ID: 99314). Advanced modeling of protein sequence and biophysical properties (such as structural, functional, and spatial information, amino acid conservation, physicochemical variation, residue mobility, and thermodynamic stability) performed at Invitae indicates that this missense variant is not expected to disrupt ABCA4 protein function. Experimental studies have shown that this missense change affects ABCA4 function (PMID: 11726554). In summary, the available evidence is currently insufficient to determine the role of this variant in disease. Therefore, it has been classified as a Variant of Uncertain Significance.

Retina International
No classification provided. Review status: no classification provided. Collection method: not provided. Allele origin: not provided. Not counted in ClinVar's aggregate classification.

Literature cited by the submitters: PubMed 11726554 (cited by Women's Health and Genetics/Laboratory Corporation of America, LabCorp and Labcorp Genetics (formerly Invitae), Labcorp); PubMed 9295268 (cited by Women's Health and Genetics/Laboratory Corporation of America, LabCorp); PubMed 10913642 (cited by Women's Health and Genetics/Laboratory Corporation of America, LabCorp); PubMed 9295368 (cited by Labcorp Genetics (formerly Invitae), Labcorp).

NM_000350.3(ABCA4):c.4732G>A (p.Gly1578Arg)

Genes: ABCA4 (ATP binding cassette subfamily A member 4; minus strand), LOC126805793 (CDK7 strongly-dependent group 2 enhancer GRCh37_chr1:94486302-94487501; plus strand). Cytogenetic location: 1p22.1.
Variant type: single nucleotide variant.
Coding change: c.4732G>A on transcript NM_000350.3 (MANE Select); coding-DNA position 4732, G replaced by A.
Protein change: p.Gly1578Arg; replaces glycine 1578 with arginine.
Molecular consequence: missense variant.
Genome position (GRCh38, 1-based): chr1:94,021,887, C>T on the plus strand (G>A on the coding strand, the complement: ABCA4 is on the minus strand). VCF-style: chr1-94021887-C-T. GRCh37 (hg19) VCF-style: chr1-94487443-C-T.
Other names: c.4510G>A, p.Gly1504Arg (NM_001425324.1); short protein forms G1578R, G1504R.
Identifiers: ClinVar variation 99314 (VCV000099314.8), dbSNP rs1800551, ClinGen allele CA227230.
Genomic context (GRCh38, chr1:94,021,887, plus strand): 5'-CTCCAGTCTGTTTACATACCCCGCTCACATTCATGATCCGGCCAAGGTCGCTTAAAAACC[C>T]AACAAGTGCTTCCCCCGTGATGGGGACGACTGGGAGCTTTCCTCCAATGGAAATTCCTCC-3'
Protein context (NP_000341.2, residues 1568-1588): VVPITGEALV[Gly1578Arg]FLSDLGRIMN